The following is an entry in ClinVar:

NM_020921.4(NIN):c.1995A>G (p.Leu665=)

Genes: NIN (ninein; minus strand), LOC130055602 (ATAC-STARR-seq lymphoblastoid active region 8362; plus strand). Cytogenetic location: 14q22.1.
Variant type: single nucleotide variant.
Coding change: c.1995A>G on transcript NM_020921.4 (MANE Select); coding-DNA position 1995, A replaced by G.
Protein change: p.Leu665=; no amino-acid change (leucine 665 retained).
Molecular consequence: synonymous variant.
Genome position (GRCh38, 1-based): chr14:50,760,261, T>C on the plus strand (A>G on the coding strand, the complement: NIN is on the minus strand). VCF-style: chr14-50760261-T-C. GRCh37 (hg19) VCF-style: chr14-51226979-T-C.
Other names: c.1995A>G, p.Leu665= (NM_016350.5, NM_182944.3, NM_182946.2); c.1995A>G (NM_020921.3).
Identifiers: ClinVar variation 1585934 (VCV001585934.11), dbSNP rs144622574, ClinGen allele CA7182018.
Genomic context (GRCh38, chr14:50,760,261, plus strand): 5'-CACTGCTGCTTGCCCCTGAAGTTCAGCAATTTCATTTTTAAGGTCACTTATTTGTTTTTC[T>C]AAGGTGTGCGTTTCGTTCTCATGCCTTTGCTTCATGTTCTCCTGTGCCTTCTTGCAGCTG-3'
Protein context (NP_065972.4, residues 655-675): KQRHENETHT[Leu665=]EKQISDLKNE

ClinVar aggregate classification (germline): Likely benign. Review status: criteria provided, multiple submitters, no conflicts (2 of 4 stars). 3 submissions from 3 submitters: Likely benign (2). 1 of the submissions does not count toward it. Last evaluated 2026-01-11.

Conditions:
NIN-related disorder. Also called: NIN-related condition.

Allele frequency attached by ClinVar (database versions not stated): gnomAD exomes 0.00020 and 0.00021; ExAC 0.00025; TOPMed 0.00031; gnomAD 0.00032 and 0.00036; ESP Exome Variant Server 0.00062.
gnomAD v4.1: 339 of 1,611,678 alleles (0.021%); highest among the groups gnomAD compares: African/African-American, 0.043%; no homozygotes.

Submissions (3):

Labcorp Genetics (formerly Invitae), Labcorp
Classification: Likely benign. Last evaluated: 2026-01-11. Review status: criteria provided, single submitter. Criteria: Invitae Variant Classification Sherloc (09022015). Collection method: clinical testing. Allele origin: germline.

Blueprint Genetics
Classification: Likely benign. Last evaluated: 2024-10-16. Review status: criteria provided, single submitter. Criteria: ACMG Guidelines, 2015. Collection method: clinical testing. Allele origin: germline.

PreventionGenetics, part of Exact Sciences
Classification: Likely benign for NIN-related condition. Last evaluated: 2019-06-14. Review status: no assertion criteria provided. Collection method: clinical testing. Allele origin: germline. Not counted in ClinVar's aggregate classification.
Comment: This variant is classified as likely benign based on ACMG/AMP sequence variant interpretation guidelines (Richards et al. 2015 PMID: 25741868, with internal and published modifications).